The following is an entry in ClinVar:

NM_181486.4(TBX5):c.610C>G (p.His204Asp)

Gene: TBX5 (T-box transcription factor 5; minus strand). Cytogenetic location: 12q24.21.
Variant type: single nucleotide variant.
Coding change: c.610C>G on transcript NM_181486.4 (MANE Select); coding-DNA position 610, C replaced by G.
Protein change: p.His204Asp; replaces histidine 204 with aspartic acid.
Molecular consequence: missense variant.
Genome position (GRCh38, 1-based): chr12:114,394,794, G>C on the plus strand (C>G on the coding strand, the complement: TBX5 is on the minus strand). VCF-style: chr12-114394794-G-C. GRCh37 (hg19) VCF-style: chr12-114832599-G-C.
Other names: c.610C>G, p.His204Asp (NM_000192.3); c.460C>G, p.His154Asp (NM_080717.4); short protein forms H154D, H204D.
Identifiers: ClinVar variation 3230607 (VCV003230607.3), dbSNP rs763004247, ClinGen allele CA6809567.

ClinVar aggregate classification (germline): Uncertain significance. Review status: criteria provided, multiple submitters, no conflicts (2 of 4 stars). 2 submissions from 2 submitters: Uncertain significance (2). Last evaluated 2026-04-01.

Conditions:
Cardiovascular phenotype. Identifiers: MedGen CN230736.

Allele frequency attached by ClinVar (database versions not stated): gnomAD exomes below 0.00001; ExAC 0.00001; gnomAD 0.00001; TOPMed 0.00002.
gnomAD v4.1: 2 of 1,614,070 alleles (0.00012%); highest among the groups gnomAD compares: Admixed American, 0.0033%; no homozygotes.

Submissions (2):

CeGaT Center for Human Genetics Tuebingen
Classification: Uncertain significance. Last evaluated: 2026-04-01. Review status: criteria provided, single submitter. Criteria: CeGaT Center For Human Genetics Tuebingen Variant Classification Criteria Version 2. Collection method: clinical testing. Allele origin: germline. Affected: yes. Observed: 1 variant allele.
Comment: TBX5: PP2, PP3

Ambry Genetics
Classification: Uncertain significance for Cardiovascular phenotype. Last evaluated: 2024-02-06. Review status: criteria provided, single submitter. Criteria: Ambry Variant Classification Scheme 2023. Collection method: clinical testing. Allele origin: germline.
Comment: The p.H204D variant (also known as c.610C>G), located in coding exon 5 of the TBX5 gene, results from a C to G substitution at nucleotide position 610. The histidine at codon 204 is replaced by aspartic acid, an amino acid with similar properties. This amino acid position is highly conserved in available vertebrate species. In addition, this alteration is predicted to be deleterious by in silico analysis. Based on the available evidence, the clinical significance of this alteration remains unclear.